The following is an entry in ClinVar:

ClinVar aggregate classification (germline): Pathogenic (1 of 4 stars; one submission).

Conditions:
Cobalamin C disease. Also called: Methylmalonic aciduria with homocystinuria cblC type; Cobalamin-C methylmalonic acidemia and homocystinuria; Methylmalonic acidemia and homocystinuria cblC type; Methylmalonic aciduria and homocystinuria, Vitamin B12-responsive; Vitamin B12 metabolic defect with combined deficiency of methylmalonyl-CoA mutase and homocysteine:methyltetrahydrofolate methyltransferase; methylmalonic aciduria and homocystinuria type cblC. Identifiers: Orphanet 26, Orphanet 79282, MedGen C1848561, MONDO:0010184, OMIM 277400.

Submission:

Women's Health and Genetics/Laboratory Corporation of America, LabCorp
Classification: Pathogenic for Cobalamin C disease. Last evaluated: 2026-05-01. Review status: criteria provided, single submitter. Criteria: LabCorp Variant Classification Summary - May 2015. Collection method: clinical testing. Allele origin: germline.
Comment: Variant summary: MMACHC c.641_642delGC (p.Arg214LeufsX30) results in a premature termination codon in the last exon, predicted to cause a truncation of the encoded protein , however, nonsense mediated decay is not expected to occur. The variant was absent in 249530 control chromosomes. To our knowledge, no occurrence of c.641_642delGC in individuals affected with MMACHC-related conditions and no experimental evidence demonstrating its impact on protein function have been reported. At least one downstream variant has been classified as Pathogenic (c.666C>A, p.Tyr222X) by our lab, providing evidence that the region altered by the variant is critical to protein function. No submitters have cited clinical-significance assessments for this variant to ClinVar. Based on the evidence outlined above, the variant was classified as pathogenic.

NM_015506.3(MMACHC):c.641_642del (p.Arg214fs)

Genes: MMACHC (metabolism of cobalamin associated C; plus strand), LOC129930446 (ATAC-STARR-seq lymphoblastoid active region 972; plus strand). Cytogenetic location: 1p34.1.
Variant type: Microsatellite.
Coding change: c.641_642del on transcript NM_015506.3 (MANE Select); coding-DNA positions 641 to 642, 2 bases deleted (GC; older notation c.641_642delGC).
Protein change: p.Arg214fs; shifts the reading frame from arginine 214.
Molecular consequence: frameshift variant.
Genome position (GRCh38, 1-based): chr1:45,509,007-45,509,008, GC deleted; deleting any 2 consecutive bases within chr1:45,509,005-45,509,008 gives the same sequence; the c. name uses the placement nearest the transcript's 3' end. VCF-style (leftmost placement, unchanged base first): chr1-45509004-AGC-A. GRCh37 (hg19) VCF-style: chr1-45974676-AGC-A.
Other names: c.470_471del, p.Arg157fs (NM_001330540.2); c.641_642delGC (NM_015506.3); short protein forms R157fs, R214fs.
Identifiers: ClinVar variation 4853627 (VCV004853627.1).